The following is an entry in ClinVar:

ClinVar aggregate classification (germline): Uncertain significance. Review status: criteria provided, multiple submitters, no conflicts (2 of 4 stars). 2 submissions from 2 submitters: Uncertain significance (2). Last evaluated 2025-12-19.

Conditions:
Progressive familial heart block type IB (PFHB1B). Identifiers: Orphanet 871, MedGen C1970298, MONDO:0011474, OMIM 604559.
Erythrokeratodermia variabilis et progressiva 6. Identifiers: MedGen C5193144, MONDO:0032801, OMIM 618531.
Cardiovascular phenotype. Identifiers: MedGen CN230736.

Allele frequency attached by ClinVar (database versions not stated): 1000 Genomes Project 0.00040; 1000 Genomes Project 30x 0.00031.
gnomAD v4.1: 50 of 1,613,372 alleles (0.0031%); highest among the groups gnomAD compares: South Asian, 0.052%; no homozygotes.

Submissions (2):

Ambry Genetics
Classification: Uncertain significance for Cardiovascular phenotype. Last evaluated: 2025-12-19. Review status: criteria provided, single submitter. Criteria: Ambry Variant Classification Scheme 2023. Collection method: clinical testing. Allele origin: germline.
Comment: The p.V503L variant (also known as c.1507G>C), located in coding exon 11 of the TRPM4 gene, results from a G to C substitution at nucleotide position 1507. The valine at codon 503 is replaced by leucine, an amino acid with highly similar properties. This amino acid position is highly conserved in available vertebrate species. In addition, the in silico prediction for this alteration is inconclusive. Since supporting evidence is limited at this time, the clinical significance of this alteration remains unclear.

Department of Pathology and Laboratory Medicine, Sinai Health System
Classification: Uncertain significance for Progressive familial heart block type IB; Erythrokeratodermia variabilis et progressiva 6. Last evaluated: 2022-06-14. Review status: criteria provided, single submitter. Criteria: ACMG Guidelines, 2015. Collection method: research. Allele origin: germline.

NM_017636.4(TRPM4):c.1507G>C (p.Val503Leu)

Gene: TRPM4 (transient receptor potential cation channel subfamily M member 4; plus strand). Cytogenetic location: 19q13.33.
Variant type: single nucleotide variant.
Coding change: c.1507G>C on transcript NM_017636.4 (MANE Select); coding-DNA position 1507, G replaced by C.
Protein change: p.Val503Leu; replaces valine 503 with leucine.
Molecular consequence: missense variant. On other transcripts: 5 prime UTR variant (1).
Genome position (GRCh38, 1-based): chr19:49,182,821, G>C. VCF-style: chr19-49182821-G-C. GRCh37 (hg19) VCF-style: chr19-49686078-G-C.
Other names: c.1507G>C, p.Val503Leu (NM_001195227.2); c.1162G>C, p.Val388Leu (NM_001321281.2); c.-47G>C (NM_001321282.2); c.985G>C, p.Val329Leu (NM_001321283.2); c.445G>C, p.Val149Leu (NM_001321285.2); short protein forms V149L, V388L, V503L, V329L.
Identifiers: ClinVar variation 2448587 (VCV002448587.4), dbSNP rs577719057, ClinGen allele CA9569215.